The following is an entry in ClinVar:

ClinVar aggregate classification (germline): Uncertain significance (1 of 4 stars; one submission).

Allele frequency attached by ClinVar (database versions not stated): gnomAD exomes below 0.00001; ExAC 0.00001.
gnomAD v4.1: 1 of 1,614,094 alleles (0.000062%); highest among the groups gnomAD compares: Non-Finnish European, 0.000085%; no homozygotes.

Submission:

Labcorp Genetics (formerly Invitae), Labcorp
Classification: Uncertain significance. Last evaluated: 2026-01-19. Review status: criteria provided, single submitter. Criteria: Invitae Variant Classification Sherloc (09022015). Collection method: clinical testing. Allele origin: germline.
Comment: This sequence change replaces serine, which is neutral and polar, with leucine, which is neutral and non-polar, at codon 550 of the SPART protein (p.Ser550Leu). This variant is present in population databases (rs773286927, gnomAD 0.0009%). This variant has not been reported in the literature in individuals affected with SPART-related conditions. ClinVar contains an entry for this variant (Variation ID: 1998531). Invitae Evidence Modeling of protein sequence and biophysical properties (such as structural, functional, and spatial information, amino acid conservation, physicochemical variation, residue mobility, and thermodynamic stability) indicates that this missense variant is not expected to disrupt SPART protein function with a negative predictive value of 80%. In summary, the available evidence is currently insufficient to determine the role of this variant in disease. Therefore, it has been classified as a Variant of Uncertain Significance.

NM_015087.5(SPART):c.1649C>T (p.Ser550Leu)

Gene: SPART (spartin; minus strand). Cytogenetic location: 13q13.3.
Variant type: single nucleotide variant.
Coding change: c.1649C>T on transcript NM_015087.5 (MANE Select); coding-DNA position 1649, C replaced by T.
Protein change: p.Ser550Leu; replaces serine 550 with leucine.
Molecular consequence: missense variant.
Genome position (GRCh38, 1-based): chr13:36,312,229, G>A on the plus strand (C>T on the coding strand, the complement: SPART is on the minus strand). VCF-style: chr13-36312229-G-A. GRCh37 (hg19) VCF-style: chr13-36886366-G-A.
Other names: c.1649C>T, p.Ser550Leu (NM_001142294.2, NM_001142295.2, NM_001142296.2); short protein forms S550L.
Identifiers: ClinVar variation 1998531 (VCV001998531.4), dbSNP rs773286927, ClinGen allele CA6949327.